The following is an entry in ClinVar:

GRCh38/hg38 16p13.3(chr16:6735606-6996218)x1

Gene: RBFOX1 (RNA binding fox-1 homolog 1; plus strand). Cytogenetic location: 16p13.3.
Variant type: copy number loss.
Change: copy number 1 (one copy instead of two) of chr16:6,735,606-6,996,218 (260.6 kb, GRCh38 coordinates, 1-based), cytogenetic band 16p13.3.
Identifiers: ClinVar variation 57015 (VCV000057015.1).

ClinVar aggregate classification (germline): Pathogenic (1 of 4 stars; one submission).

Submission:

ISCA site 4
Classification: Pathogenic. Last evaluated: 2011-08-12. Review status: criteria provided, single submitter. Criteria: Kaminsky et al. (Genet Med. 2011). Collection method: clinical testing. Allele origin: unknown. Affected: yes. Observed: 1 variant allele.
Comment: Copy number variation identified through the course of routine clinical cytogenomic testing in postnatal populations. Clinical assertions have been curated as described in Kaminsky et al. 2011.